The following is an entry in ClinVar:

NM_000455.5(STK11):c.1009G>A (p.Val337Met)

Genes: STK11 (serine/threonine kinase 11; plus strand), LOC130062899 (ATAC-STARR-seq lymphoblastoid active region 13597; plus strand). Cytogenetic location: 19p13.3.
Variant type: single nucleotide variant.
Coding change: c.1009G>A on transcript NM_000455.5 (MANE Select); coding-DNA position 1009, G replaced by A.
Protein change: p.Val337Met; replaces valine 337 with methionine.
Molecular consequence: missense variant.
Genome position (GRCh38, 1-based): chr19:1,223,073, G>A. VCF-style: chr19-1223073-G-A. GRCh37 (hg19) VCF-style: chr19-1223072-G-A.
Other names: short protein forms V337M.
Identifiers: ClinVar variation 966741 (VCV000966741.11), dbSNP rs2080796782, ClinGen allele CA402951699.

ClinVar aggregate classification (germline): Uncertain significance. Review status: criteria provided, multiple submitters, no conflicts (2 of 4 stars). 2 submissions from 2 submitters: Uncertain significance (2). Last evaluated 2024-04-15.

Conditions:
Hereditary cancer-predisposing syndrome. Also called: Hereditary neoplastic syndrome; Hereditary Cancer Syndrome; Tumor predisposition; Neoplastic Syndromes, Hereditary. Identifiers: Orphanet 140162, MedGen C0027672, MeSH D009386, MONDO:0015356.
Peutz-Jeghers syndrome (PJS). Also called: POLYPOSIS, HAMARTOMATOUS INTESTINAL; POLYPS-AND-SPOTS SYNDROME; Peutz-Jeghers polyposis; Periorificial lentiginosis syndrome. Identifiers: Orphanet 2869, MedGen C0031269, MeSH D010580, MONDO:0008280, OMIM 175200.

Submissions (2):

Labcorp Genetics (formerly Invitae), Labcorp
Classification: Uncertain significance for Peutz-Jeghers syndrome. Last evaluated: 2024-04-15. Review status: criteria provided, single submitter. Criteria: Invitae Variant Classification Sherloc (09022015). Collection method: clinical testing. Allele origin: germline.
Comment: This sequence change replaces valine, which is neutral and non-polar, with methionine, which is neutral and non-polar, at codon 337 of the STK11 protein (p.Val337Met). This variant is not present in population databases (gnomAD no frequency). This variant has not been reported in the literature in individuals affected with STK11-related conditions. ClinVar contains an entry for this variant (Variation ID: 966741). Advanced modeling of protein sequence and biophysical properties (such as structural, functional, and spatial information, amino acid conservation, physicochemical variation, residue mobility, and thermodynamic stability) performed at Invitae indicates that this missense variant is expected to disrupt STK11 protein function with a positive predictive value of 95%. In summary, the available evidence is currently insufficient to determine the role of this variant in disease. Therefore, it has been classified as a Variant of Uncertain Significance.

Ambry Genetics
Classification: Uncertain significance for Hereditary cancer-predisposing syndrome. Last evaluated: 2024-04-04. Review status: criteria provided, single submitter. Criteria: Ambry Variant Classification Scheme 2023. Collection method: clinical testing. Allele origin: germline.
Comment: The p.V337M variant (also known as c.1009G>A), located in coding exon 8 of the STK11 gene, results from a G to A substitution at nucleotide position 1009. The valine at codon 337 is replaced by methionine, an amino acid with highly similar properties. This amino acid position is conserved. In addition, the in silico prediction for this alteration is inconclusive. Based on the available evidence, the clinical significance of this variant remains unclear.